The following is an entry in ClinVar:

GRCh37/hg19 2q31.1-31.3(chr2:175143352-180999636)x1

Genes: AGPS (alkylglycerone phosphate synthase; plus strand), ATF2 (activating transcription factor 2; minus strand), ATP5MC3 (ATP synthase membrane subunit c locus 3; minus strand), CCDC141 (coiled-coil domain containing 141; minus strand), CHN1 (chimerin 1; minus strand) and 35 more. Cytogenetic location: 2q31.1-31.3.
Variant type: copy number loss.
Change: copy number 1 (one copy instead of two) of chr2:175,143,352-180,999,636 (5.86 Mb, GRCh37 coordinates, 1-based), cytogenetic band 2q31.1-31.3.
Identifiers: ClinVar variation 1808725 (VCV001808725.1).

ClinVar aggregate classification (germline): Pathogenic (1 of 4 stars; one submission).

Submission:

Quest Diagnostics Nichols Institute San Juan Capistrano
Classification: Pathogenic. Last evaluated: 2022-01-31. Review status: criteria provided, single submitter. Criteria: ACMG/ClinGen CNV Guidelines, 2019. Collection method: clinical testing. Allele origin: unknown.
Comment: This deletion is likely to cause phenotypic and developmental abnormalities. It includes two loci associated with syndromes. The first, 2q31.1 microdeletion syndrome, is a well-defined and clinically recognizable syndrome characterized by moderate to severe developmental delay, short stature, facial dysmorphism, and variable limb defects. Dysmorphic features include microcephaly, downslanting palpebral fissures, flat and long philtrum, micrognathia, and low-set and dysplastic ears. The spectrum of limb defects ranges from monodactylous ectrodactyly, brachydactyly and syndactyly to camptodactyly. The lower limbs tend to be more often and more severely affected than the upper limbs. The critical region encompasses the HOXD genes, haploinsufficiency of which results in the skeletal phenotype (OMIM 610713; PMID: 26185628, 21068127). The second syndrome is the 2q31.2q32.3 deletion syndrome (OMIM 612345). Common clinical features include pre- and postnatalgrowth retardation, severe intellectual disability, distinct facial dysmorphisms, thin and sparse hair, micrognathia, cleft or high palate, relative macroglossia, dacryocystitis (inflammation and infection of the tear sac), persistent feeding difficulties, inguinal hernia and broad-based gait (PMID: 20034071).